The following is an entry in ClinVar:

NM_001197104.2(KMT2A):c.9911T>G (p.Leu3304Arg)

Gene: KMT2A (lysine methyltransferase 2A; plus strand). Cytogenetic location: 11q23.3.
Variant type: single nucleotide variant.
Coding change: c.9911T>G on transcript NM_001197104.2 (MANE Select); coding-DNA position 9911, T replaced by G.
Protein change: p.Leu3304Arg; replaces leucine 3304 with arginine.
Molecular consequence: missense variant.
Genome position (GRCh38, 1-based): chr11:118,505,803, T>G. VCF-style: chr11-118505803-T-G. GRCh37 (hg19) VCF-style: chr11-118376518-T-G.
Other names: c.10001T>G, p.Leu3334Arg (NM_001412597.1); c.9902T>G, p.Leu3301Arg (NM_005933.4); short protein forms L3301R, L3304R, L3334R.
Identifiers: ClinVar variation 1806016 (VCV001806016.1), dbSNP rs2134408508, ClinGen allele CA382822222.

ClinVar aggregate classification (germline): Uncertain significance (1 of 4 stars; one submission).

Conditions:
Wiedemann-Steiner syndrome (WDSTS). Also called: Growth deficiency and mental retardation with facial dysmorphism. Identifiers: Orphanet 319182, MedGen C1854630, MONDO:0011518, OMIM 605130.

Allele frequency attached by ClinVar (database versions not stated): gnomAD exomes below 0.00001.
gnomAD v4.1: 2 of 1,614,174 alleles (0.00012%); highest among the groups gnomAD compares: Non-Finnish European, 0.00017%; no homozygotes.

Submission:

Victorian Clinical Genetics Services, Murdoch Childrens Research Institute
Classification: Uncertain significance for Wiedemann-Steiner syndrome. Last evaluated: 2022-09-02. Review status: criteria provided, single submitter. Criteria: ACMG Guidelines, 2015. Collection method: clinical testing. Allele origin: germline. Inheritance: Autosomal dominant inheritance.
Comment: Based on the classification scheme VCGS_Germline_v1.3.4, this variant is classified as VUS-3B. Following criteria are met: 0102 - Loss of function is a known mechanism of disease in this gene and is associated with Wiedemann-Steiner syndrome (MIM#605130). (I) 0107 - This gene is associated with autosomal dominant disease. (I) 0200 - Variant is predicted to result in a missense amino acid change from leucine to arginine. (I) 0251 - This variant is heterozygous. (I) 0301 - Variant is absent from gnomAD (both v2 and v3). (SP) 0501 - Missense variant consistently predicted to be damaging by multiple in silico tools or highly conserved with a major amino acid change. (SP) 0604 - Variant is not located in an established domain, motif, hotspot or informative constraint region. (I) 0705 - No comparable missense variants have previous evidence for pathogenicity. (I) 0807 - This variant has no previous evidence of pathogenicity. (I) 0905 - No published segregation evidence has been identified for this variant. (I) 1007 - No published functional evidence has been identified for this variant. (I) Legend: (SP) - Supporting pathogenic, (I) - Information, (SB) - Supporting benign